The following is an entry in ClinVar:

NM_000552.5(VWF):c.3178T>C (p.Cys1060Arg)

Gene: VWF (von Willebrand factor; minus strand). Cytogenetic location: 12p13.31.
Variant type: single nucleotide variant.
Coding change: c.3178T>C on transcript NM_000552.5 (MANE Select); coding-DNA position 3178, T replaced by C.
Protein change: p.Cys1060Arg; replaces cysteine 1060 with arginine.
Molecular consequence: missense variant.
Genome position (GRCh38, 1-based): chr12:6,025,624, A>G on the plus strand (T>C on the coding strand, the complement: VWF is on the minus strand). VCF-style: chr12-6025624-A-G. GRCh37 (hg19) VCF-style: chr12-6134790-A-G.
Other names: NM_000552.5(VWF):c.3178T>C; short protein forms C1060R.
Identifiers: ClinVar variation 317 (VCV000000317.2), dbSNP rs61748497, ClinGen allele CA114176.
Genomic context (GRCh38, chr12:6,025,624, plus strand): 5'-CCCTCAAGGTCCTCACCAGCTTGTTGCAGTCCTGGAAGACGTCACTGGTAAGGATTCTAC[A>G]GGAGGAATCCACCATCGTCTGCTTCATGATGTTGTTATGGCAGGTGGCAGGGGATGAGTC-3'
Protein context (NP_000543.3, residues 1050-1070): IMKQTMVDSS[Cys1060Arg]RILTSDVFQD

ClinVar aggregate classification (germline): Pathogenic. Review status: reviewed by expert panel (3 of 4 stars). 3 submissions from 3 submitters: Pathogenic (1). 2 of the submissions do not count toward it. Last evaluated 2025-02-04.

Conditions:
von Willebrand disease type 2N (VWD2N). Identifiers: Orphanet 166093, MedGen C1282975, MONDO:0015631.

Submissions (3):

ClinGen von Willebrand Disease Variant Curation Expert Panel, ClinGen
Classification: Pathogenic for von Willebrand disease type 2N. Last evaluated: 2025-02-04. Review status: reviewed by expert panel. Criteria: ClinGen VWD 2N Rules. Collection method: curation. Allele origin: germline. Inheritance: Autosomal recessive inheritance.
Comment: The NM_000552.5(VWF):c.3178T>C (p.Cys1060Arg) missense variant is absent from gnomAD v4.1 (PM2_Supporting). The computational predictor REVEL gives a score of 0.96, which is above the ClinGen VWD VCEP threshold of >0.644 and predicts a damaging effect on VWF function (PP3). At least one homozygote and two compound heterozygotes with R854Q (confirmation of trans phase not reported), which is classified pathogenic by the VWD VCEP (PMID: 12588349; PM3). At least 1 patient with this variant displayed excessive mucocutaneous bleeding as well as low FVIII activity (FVIII:C 4-10 IU/dL) and absent VWF:FVIII binding, which is highly specific for VWD type 2N. (PP4_moderate, PMID 12406074). Variants in F8 were screened for by sequencing. Site-directed mutagenesis and transient expression in COS-7 cells showed R1060rVWF was completely unable to bind to rFVIII (PMID: 12588349; PS3). In summary, this variant meets the criteria to be classified as Pathogenic for von Willebrand disease type 2N. ACMG/AMP criteria applied as specified by the ClinGen von Willebrand disease Variant Curation Expert Panel: PM2_supporting, PP3, PM3, PP4_moderate, PS3.

OMIM
Classification: Pathogenic for VON WILLEBRAND DISEASE, TYPE 2N. Last evaluated: 2002-11-01. Review status: no assertion criteria provided. Collection method: literature only. Allele origin: germline. Not counted in ClinVar's aggregate classification.

Academic Unit of Haematology, University of Sheffield
No classification provided. Review status: no classification provided. Collection method: not provided. Allele origin: not provided. Not counted in ClinVar's aggregate classification.

Literature cited by the submitters: PubMed 12588349 (cited by ClinGen von Willebrand Disease Variant Curation Expert Panel, ClinGen); PubMed 12406074 (cited by OMIM).